The following is an entry in ClinVar:

ClinVar aggregate classification (germline): Uncertain significance (1 of 4 stars; one submission).

Submission:

GeneDx
Classification: Uncertain significance. Last evaluated: 2022-06-02. Review status: criteria provided, single submitter. Criteria: GeneDx Variant Classification Process June 2021. Collection method: clinical testing. Allele origin: germline. Affected: yes.
Comment: Has not been previously published as pathogenic or benign to our knowledge; Not observed at significant frequency in large population cohorts (gnomAD); Not located within exons 24-33, where the majority of pathogenic variants reported to date occur (Callewaert et al., 2008, Frederic et al., 2009); In silico analysis supports that this missense variant has a deleterious effect on protein structure/function; This variant is associated with the following publications: (PMID: 19006240, 18767143)

NM_001999.4(FBN2):c.4589G>T (p.Cys1530Phe)

Gene: FBN2 (fibrillin 2; minus strand). Cytogenetic location: 5q23.3.
Variant type: single nucleotide variant.
Coding change: c.4589G>T on transcript NM_001999.4 (MANE Select); coding-DNA position 4589, G replaced by T.
Protein change: p.Cys1530Phe; replaces cysteine 1530 with phenylalanine.
Molecular consequence: missense variant.
Genome position (GRCh38, 1-based): chr5:128,318,884, C>A on the plus strand (G>T on the coding strand, the complement: FBN2 is on the minus strand). VCF-style: chr5-128318884-C-A. GRCh37 (hg19) VCF-style: chr5-127654576-C-A.
Other names: short protein forms C1530F.
Identifiers: ClinVar variation 1801915 (VCV001801915.1), dbSNP rs2126854530, ClinGen allele CA360750193.